The following is an entry in ClinVar:

ClinVar aggregate classification (germline): Uncertain significance. Review status: criteria provided, multiple submitters, no conflicts (2 of 4 stars). 2 submissions from 2 submitters: Uncertain significance (2). Last evaluated 2026-01-26.

Conditions:
Familial Mediterranean fever (FMF). Also called: Periodic peritonitis; Benign paroxysmal peritonitis; POLYSEROSITIS, FAMILIAL PAROXYSMAL; POLYSEROSITIS, RECURRENT. Identifiers: Orphanet 342, MedGen C0031069, MONDO:0018088, OMIM 249100. Disease mechanism: gain of function.

Submissions (2):

GeneDx
Classification: Uncertain significance. Last evaluated: 2026-01-26. Review status: criteria provided, single submitter. Criteria: GeneDx Variant Classification Process June 2021. Collection method: clinical testing. Allele origin: germline.
Comment: Not observed at significant frequency in large population cohorts (gnomAD); In silico analysis suggests that this missense variant does not alter protein structure/function; Has not been previously published as pathogenic or benign to our knowledge

Labcorp Genetics (formerly Invitae), Labcorp
Classification: Uncertain significance for Familial Mediterranean fever. Last evaluated: 2021-09-01. Review status: criteria provided, single submitter. Criteria: Invitae Variant Classification Sherloc (09022015). Collection method: clinical testing. Allele origin: germline.
Comment: This sequence change replaces serine with arginine at codon 145 of the MEFV protein (p.Ser145Arg). The serine residue is weakly conserved and there is a moderate physicochemical difference between serine and arginine. This variant is not present in population databases (ExAC no frequency). This variant has not been reported in the literature in individuals affected with MEFV-related conditions. Algorithms developed to predict the effect of missense changes on protein structure and function are either unavailable or do not agree on the potential impact of this missense change (SIFT: "Tolerated"; PolyPhen-2: "Possibly Damaging"; Align-GVGD: "Class C0"). In summary, the available evidence is currently insufficient to determine the role of this variant in disease. Therefore, it has been classified as a Variant of Uncertain Significance.

NM_000243.3(MEFV):c.433A>C (p.Ser145Arg)

Gene: MEFV (MEFV innate immunity regulator, pyrin; minus strand). Cytogenetic location: 16p13.3.
Variant type: single nucleotide variant.
Coding change: c.433A>C on transcript NM_000243.3 (MANE Select); coding-DNA position 433, A replaced by C.
Protein change: p.Ser145Arg; replaces serine 145 with arginine.
Molecular consequence: missense variant. On other transcripts: intron variant (1).
Genome position (GRCh38, 1-based): chr16:3,254,635, T>G on the plus strand (A>C on the coding strand, the complement: MEFV is on the minus strand). VCF-style: chr16-3254635-T-G. GRCh37 (hg19) VCF-style: chr16-3304635-T-G.
Other names: c.433A>C (NM_000243.2); c.277+1676A>C (NM_001198536.2); short protein forms S145R.
Identifiers: ClinVar variation 1379130 (VCV001379130.7), dbSNP rs2141677519, ClinGen allele CA394481550.